The following is an entry in ClinVar:

ClinVar aggregate classification (germline): Uncertain significance (1 of 4 stars; one submission).

Submission:

Labcorp Genetics (formerly Invitae), Labcorp
Classification: Uncertain significance. Last evaluated: 2025-07-23. Review status: criteria provided, single submitter. Criteria: Invitae Variant Classification Sherloc (09022015). Collection method: clinical testing. Allele origin: germline.
Comment: This sequence change creates a premature translational stop signal (p.Arg104*) in the RAB11A gene. It is expected to result in an absent or disrupted protein product. However, the current clinical and genetic evidence is not sufficient to establish whether loss-of-function variants in RAB11A cause disease. This variant is not present in population databases (gnomAD no frequency). This variant has not been reported in the literature in individuals affected with RAB11A-related conditions. ClinVar contains an entry for this variant (Variation ID: 2833352). In summary, the available evidence is currently insufficient to determine the role of this variant in disease. Therefore, it has been classified as a Variant of Uncertain Significance.

NM_004663.5(RAB11A):c.310C>T (p.Arg104Ter)

Gene: RAB11A (RAB11A, member RAS oncogene family; plus strand). Cytogenetic location: 15q22.31.
Variant type: single nucleotide variant.
Coding change: c.310C>T on transcript NM_004663.5 (MANE Select); coding-DNA position 310, C replaced by T.
Protein change: p.Arg104Ter; replaces arginine 104 with a stop codon.
Molecular consequence: nonsense.
Genome position (GRCh38, 1-based): chr15:65,877,835, C>T. VCF-style: chr15-65877835-C-T. GRCh37 (hg19) VCF-style: chr15-66170173-C-T.
Other names: c.310C>T, p.Arg104Ter (NM_001206836.2); short protein forms R104*.
Identifiers: ClinVar variation 2833352 (VCV002833352.3), dbSNP rs2549035606, ClinGen allele CA392921520.